The following is an entry in ClinVar:

NM_177972.3(TUB):c.1092T>G (p.Arg364=)

Genes: RIC3 (RIC3 acetylcholine receptor chaperone; minus strand), TUB (TUB bipartite transcription factor; plus strand). Cytogenetic location: 11p15.4.
Variant type: single nucleotide variant.
Coding change: c.1092T>G on transcript NM_177972.3 (MANE Select); coding-DNA position 1092, T replaced by G.
Protein change: p.Arg364=; no amino-acid change (arginine 364 retained).
Molecular consequence: synonymous variant.
Genome position (GRCh38, 1-based): chr11:8,098,851, T>G. VCF-style: chr11-8098851-T-G. GRCh37 (hg19) VCF-style: chr11-8120398-T-G.
Other names: c.1257T>G, p.Arg419= (NM_003320.5); c.1257T>G (NM_003320.4).
Identifiers: ClinVar variation 2983572 (VCV002983572.5), dbSNP rs760373205, ClinGen allele CA473010146.

ClinVar aggregate classification (germline): Likely benign. Review status: criteria provided, single submitter (1 of 4 stars). 2 submissions from 2 submitters: Likely benign (1). 1 of the submissions does not count toward it. Last evaluated 2023-09-08.

Conditions:
TUB-related disorder. Also called: TUB-related condition.

Allele frequency attached by ClinVar (database versions not stated): gnomAD exomes below 0.00001; TOPMed 0.00001.
gnomAD v4.1: 2 of 1,614,010 alleles (0.00012%); highest among the groups gnomAD compares: Admixed American, 0.0033%; no homozygotes.

Submissions (2):

Labcorp Genetics (formerly Invitae), Labcorp
Classification: Likely benign. Last evaluated: 2023-09-08. Review status: criteria provided, single submitter. Criteria: Invitae Variant Classification Sherloc (09022015). Collection method: clinical testing. Allele origin: germline.

PreventionGenetics, part of Exact Sciences
Classification: Likely benign for TUB-related condition. Last evaluated: 2023-08-22. Review status: no assertion criteria provided. Collection method: clinical testing. Allele origin: germline. Not counted in ClinVar's aggregate classification.
Comment: This variant is classified as likely benign based on ACMG/AMP sequence variant interpretation guidelines (Richards et al. 2015 PMID: 25741868, with internal and published modifications).